The following is an entry in ClinVar:

NM_004415.4(DSP):c.4424C>T (p.Thr1475Ile)

Gene: DSP (desmoplakin; plus strand). Cytogenetic location: 6p24.3.
Variant type: single nucleotide variant.
Coding change: c.4424C>T on transcript NM_004415.4 (MANE Select); coding-DNA position 4424, C replaced by T.
Protein change: p.Thr1475Ile; replaces threonine 1475 with isoleucine.
Molecular consequence: missense variant. On other transcripts: intron variant (2).
Genome position (GRCh38, 1-based): chr6:7,580,614, C>T. VCF-style: chr6-7580614-C-T. GRCh37 (hg19) VCF-style: chr6-7580847-C-T.
Other names: c.4050+374C>T (NM_001319034.2); c.3582+842C>T (NM_001008844.3); short protein forms T1475I.
Identifiers: ClinVar variation 3072204 (VCV003072204.1), dbSNP rs568520055, ClinGen allele CA041470.

ClinVar aggregate classification (germline): Uncertain significance (1 of 4 stars; one submission).

Conditions:
Arrhythmogenic cardiomyopathy with wooly hair and keratoderma. Also called: PALMOPLANTAR KERATODERMA WITH LEFT VENTRICULAR CARDIOMYOPATHY AND WOOLLY HAIR; Carvajal syndrome; Dilated cardiomyopathy with woolly hair and keratoderma; Arrhythmogenic cardiomyopathy with woolly hair and keratoderma. Identifiers: Orphanet 65282, MedGen C1854063, MONDO:0011581, OMIM 605676.

Allele frequency attached by ClinVar (database versions not stated): gnomAD exomes below 0.00001; ExAC 0.00001; gnomAD 0.00001; 1000 Genomes Project 30x 0.00016; 1000 Genomes Project 0.00020.

Submission:

All of Us Research Program, National Institutes of Health
Classification: Uncertain significance for Arrhythmogenic cardiomyopathy with wooly hair and keratoderma. Last evaluated: 2023-06-26. Review status: criteria provided, single submitter. Criteria: ACMG Guidelines, 2015. Collection method: clinical testing. Allele origin: germline. Inheritance: Autosomal dominant inheritance. Observed: 1 variant allele, 1 heterozygote.
Comment: This missense variant replaces threonine with isoleucine at codon 1475 of the DSP protein. Computational prediction suggests that this variant may not impact protein structure and function (internally defined REVEL score threshold <= 0.5, PMID: 27666373). To our knowledge, functional studies have not been reported for this variant. This variant has not been reported in individuals affected with DSP-related disorders in the literature. This variant has not been identified in the general population by the Genome Aggregation Database (gnomAD). The available evidence is insufficient to determine the role of this variant in disease conclusively. Therefore, this variant is classified as a Variant of Uncertain Significance.

This study involves interpretation of variants in research participants for the purpose of population health screening. Participant phenotype was not available at the time of variant classification. Additional details can be found in publication PMID: 35346344, PMCID: PMC8962531